The following is an entry in ClinVar:

ClinVar aggregate classification (germline): Uncertain significance (1 of 4 stars; one submission).

Submission:

GeneDx
Classification: Uncertain significance. Last evaluated: 2022-01-26. Review status: criteria provided, single submitter. Criteria: GeneDx Variant Classification Process June 2021. Collection method: clinical testing. Allele origin: germline. Affected: yes.
Comment: Not observed at significant frequency in large population cohorts (gnomAD); In silico analysis supports that this missense variant does not alter protein structure/function; Has not been previously published as pathogenic or benign to our knowledge

NM_001429.4(EP300):c.6697C>G (p.Gln2233Glu)

Gene: EP300 (E1A binding protein p300; plus strand). Cytogenetic location: 22q13.2.
Variant type: single nucleotide variant.
Coding change: c.6697C>G on transcript NM_001429.4 (MANE Select); coding-DNA position 6697, C replaced by G.
Protein change: p.Gln2233Glu; replaces glutamine 2233 with glutamic acid.
Molecular consequence: missense variant.
Genome position (GRCh38, 1-based): chr22:41,178,408, C>G. VCF-style: chr22-41178408-C-G. GRCh37 (hg19) VCF-style: chr22-41574412-C-G.
Other names: c.6619C>G, p.Gln2207Glu (NM_001362843.2); short protein forms Q2207E, Q2233E.
Identifiers: ClinVar variation 1699831 (VCV001699831.2), dbSNP rs2145521936, ClinGen allele CA411682543.
Genomic context (GRCh38, chr22:41,178,408, plus strand): 5'-CAACCCCAAGGAGTTGGCTACCCACCACAGCAGCAGCAGCGGATGCAGCATCACATGCAA[C>G]AGATGCAACAAGGAAATATGGGACAGATAGGCCAGCTTCCCCAGGCCTTGGGAGCAGAGG-3'
Protein context (NP_001420.2, residues 2223-2243): QQQRMQHHMQ[Gln2233Glu]MQQGNMGQIG